The following is an entry in ClinVar:

ClinVar aggregate classification (germline): Uncertain significance (1 of 4 stars; one submission).

gnomAD v4.1: 4 of 1,609,566 alleles (0.00025%); no homozygotes.

Submission:

Labcorp Genetics (formerly Invitae), Labcorp
Classification: Uncertain significance. Last evaluated: 2021-12-24. Review status: criteria provided, single submitter. Criteria: Invitae Variant Classification Sherloc (09022015). Collection method: clinical testing. Allele origin: germline.
Comment: In summary, the available evidence is currently insufficient to determine the role of this variant in disease. Therefore, it has been classified as a Variant of Uncertain Significance. Algorithms developed to predict the effect of missense changes on protein structure and function are either unavailable or do not agree on the potential impact of this missense change (SIFT: "Tolerated"; PolyPhen-2: "Not Available"; Align-GVGD: "Class C0"). This variant has not been reported in the literature in individuals affected with DNA2-related conditions. This variant is not present in population databases (gnomAD no frequency). This sequence change replaces asparagine, which is neutral and polar, with lysine, which is basic and polar, at codon 76 of the DNA2 protein (p.Asn76Lys).

NM_001080449.3(DNA2):c.228T>A (p.Asn76Lys)

Gene: DNA2 (DNA replication helicase/nuclease 2; minus strand). Cytogenetic location: 10q21.3.
Variant type: single nucleotide variant.
Coding change: c.228T>A on transcript NM_001080449.3 (MANE Select); coding-DNA position 228, T replaced by A.
Protein change: p.Asn76Lys; replaces asparagine 76 with lysine.
Molecular consequence: missense variant. On other transcripts: non-coding transcript variant (1).
Genome position (GRCh38, 1-based): chr10:68,470,010, A>T on the plus strand (T>A on the coding strand, the complement: DNA2 is on the minus strand). VCF-style: chr10-68470010-A-T. GRCh37 (hg19) VCF-style: chr10-70229767-A-T.
Other names: short protein forms N76K.
Identifiers: ClinVar variation 1947387 (VCV001947387.5), dbSNP rs998753295, ClinGen allele CA208188871.